The following is an entry in ClinVar:

NM_000370.3(TTPA):c.814A>C (p.Ser272Arg)

Gene: TTPA (alpha tocopherol transfer protein; minus strand). Cytogenetic location: 8q12.3.
Variant type: single nucleotide variant.
Coding change: c.814A>C on transcript NM_000370.3 (MANE Select); coding-DNA position 814, A replaced by C.
Protein change: p.Ser272Arg; replaces serine 272 with arginine.
Molecular consequence: missense variant.
Genome position (GRCh38, 1-based): chr8:63,061,275, T>G on the plus strand (A>C on the coding strand, the complement: TTPA is on the minus strand). VCF-style: chr8-63061275-T-G. GRCh37 (hg19) VCF-style: chr8-63973834-T-G.
Other names: short protein forms S272R.
Identifiers: ClinVar variation 289110 (VCV000289110.7), dbSNP rs555070491, ClinGen allele CA4763139.

ClinVar aggregate classification (germline): Uncertain significance. Review status: criteria provided, multiple submitters, no conflicts (2 of 4 stars). 2 submissions from 2 submitters: Uncertain significance (2). Last evaluated 2021-10-20.

Allele frequency attached by ClinVar (database versions not stated): gnomAD 0.00002; gnomAD exomes 0.00002 and 0.00005; ExAC 0.00007; 1000 Genomes Project 30x 0.00047; 1000 Genomes Project 0.00060.
gnomAD v4.1: 25 of 1,613,752 alleles (0.0015%); highest among the groups gnomAD compares: South Asian, 0.027%; no homozygotes.

Submissions (2):

Labcorp Genetics (formerly Invitae), Labcorp
Classification: Uncertain significance. Last evaluated: 2021-10-20. Review status: criteria provided, single submitter. Criteria: Invitae Variant Classification Sherloc (09022015). Collection method: clinical testing. Allele origin: germline.
Comment: This sequence change replaces serine with arginine at codon 272 of the TTPA protein (p.Ser272Arg). The serine residue is highly conserved and there is a moderate physicochemical difference between serine and arginine. This variant is present in population databases (rs555070491, ExAC 0.05%). This variant has not been reported in the literature in individuals with TTPA-related conditions. ClinVar contains an entry for this variant (Variation ID: 289110). Algorithms developed to predict the effect of missense changes on protein structure and function are either unavailable or do not agree on the potential impact of this missense change (SIFT: "Deleterious"; PolyPhen-2: "Benign"; Align-GVGD: "Class C0"). In summary, the available evidence is currently insufficient to determine the role of this variant in disease. Therefore, it has been classified as a Variant of Uncertain Significance.

Eurofins Ntd Llc (ga)
Classification: Uncertain significance. Last evaluated: 2016-06-22. Review status: criteria provided, single submitter. Criteria: EGL Classification Definitions 2015. Collection method: clinical testing. Allele origin: germline. Observed: 1 variant allele, 1 heterozygote.